The following is an entry in ClinVar:

ClinVar aggregate classification (germline): Uncertain significance. Review status: criteria provided, multiple submitters, no conflicts (2 of 4 stars). 2 submissions from 2 submitters: Uncertain significance (2). Last evaluated 2025-06-23.

Allele frequency attached by ClinVar (database versions not stated): gnomAD exomes below 0.00001.

Submissions (2):

GeneDx
Classification: Uncertain significance. Last evaluated: 2025-06-23. Review status: criteria provided, single submitter. Criteria: GeneDx Variant Classification Process June 2021. Collection method: clinical testing. Allele origin: germline. Affected: yes.
Comment: Not observed at significant frequency in large population cohorts (gnomAD); In silico analysis supports that this missense variant has a deleterious effect on protein structure/function; Has not been previously published as pathogenic or benign to our knowledge

CeGaT Center for Human Genetics Tuebingen
Classification: Uncertain significance. Last evaluated: 2022-10-01. Review status: criteria provided, single submitter. Criteria: CeGaT Center For Human Genetics Tuebingen Variant Classification Criteria Version 2. Collection method: clinical testing. Allele origin: germline. Affected: yes. Observed: 1 variant allele.
Comment: SCN3A: PM2, PP2, PP3

NM_006922.4(SCN3A):c.4054A>G (p.Met1352Val)

Gene: SCN3A (sodium voltage-gated channel alpha subunit 3; minus strand). Cytogenetic location: 2q24.3.
Variant type: single nucleotide variant.
Coding change: c.4054A>G on transcript NM_006922.4 (MANE Select); coding-DNA position 4054, A replaced by G.
Protein change: p.Met1352Val; replaces methionine 1352 with valine.
Molecular consequence: missense variant.
Genome position (GRCh38, 1-based): chr2:165,097,437, T>C on the plus strand (A>G on the coding strand, the complement: SCN3A is on the minus strand). VCF-style: chr2-165097437-T-C. GRCh37 (hg19) VCF-style: chr2-165953947-T-C.
Other names: c.4054A>G (NM_006922.3); c.3907A>G, p.Met1303Val (NM_001081676.2, NM_001081677.2); short protein forms M1303V, M1352V.
Identifiers: ClinVar variation 1879489 (VCV001879489.30), dbSNP rs2468072386, ClinGen allele CA349025699.